The following is an entry in ClinVar:

ClinVar aggregate classification (germline): Uncertain significance. Review status: criteria provided, multiple submitters, no conflicts (2 of 4 stars). 3 submissions from 3 submitters: Uncertain significance (3). Last evaluated 2026-03-12.

Conditions:
Giant axonal neuropathy 1 (GAN1). Also called: GIANT AXONAL NEUROPATHY 1, AUTOSOMAL RECESSIVE; GAN-Related Neurodegeneration. Identifiers: Orphanet 643, MedGen C1850386, MONDO:0009749, OMIM 256850.

Submissions (3):

GeneDx
Classification: Uncertain significance. Last evaluated: 2026-03-12. Review status: criteria provided, single submitter. Criteria: GeneDx Variant Classification Process June 2021. Collection method: clinical testing. Allele origin: germline.
Comment: Not observed at significant frequency in large population cohorts (gnomAD); Missense variants in this gene are a common cause of disease and they are underrepresented in the general population; In silico analysis supports that this missense variant has a deleterious effect on protein structure/function; Has not been previously published as pathogenic or benign to our knowledge; This variant is associated with the following publications: (PMID: 27023907)

Labcorp Genetics (formerly Invitae), Labcorp
Classification: Uncertain significance for Giant axonal neuropathy 1. Last evaluated: 2025-01-27. Review status: criteria provided, single submitter. Criteria: Invitae Variant Classification Sherloc (09022015). Collection method: clinical testing. Allele origin: germline.
Comment: This sequence change replaces serine, which is neutral and polar, with threonine, which is neutral and polar, at codon 166 of the GAN protein (p.Ser166Thr). This variant is present in population databases (no rsID available, gnomAD 0.003%). This variant has not been reported in the literature in individuals affected with GAN-related conditions. ClinVar contains an entry for this variant (Variation ID: 1360498). Invitae Evidence Modeling of protein sequence and biophysical properties (such as structural, functional, and spatial information, amino acid conservation, physicochemical variation, residue mobility, and thermodynamic stability) indicates that this missense variant is not expected to disrupt GAN protein function with a negative predictive value of 80%. In summary, the available evidence is currently insufficient to determine the role of this variant in disease. Therefore, it has been classified as a Variant of Uncertain Significance.

Fulgent Genetics
Classification: Uncertain significance for Giant axonal neuropathy 1. Last evaluated: 2021-08-17. Review status: criteria provided, single submitter. Criteria: ACMG Guidelines, 2015. Collection method: clinical testing. Allele origin: unknown.

NM_022041.4(GAN):c.497G>C (p.Ser166Thr)

Gene: GAN (gigaxonin; plus strand). Cytogenetic location: 16q23.2.
Variant type: single nucleotide variant.
Coding change: c.497G>C on transcript NM_022041.4 (MANE Select); coding-DNA position 497, G replaced by C.
Protein change: p.Ser166Thr; replaces serine 166 with threonine.
Molecular consequence: missense variant. On other transcripts: 5 prime UTR variant (1).
Genome position (GRCh38, 1-based): chr16:81,354,619, G>C. VCF-style: chr16-81354619-G-C. GRCh37 (hg19) VCF-style: chr16-81388224-G-C.
Other names: c.-143G>C (NM_001377486.1); c.497G>C (NM_022041.3); short protein forms S166T.
Identifiers: ClinVar variation 1360498 (VCV001360498.9), dbSNP rs758366654, ClinGen allele CA396868651.
Genomic context (GRCh38, chr16:81,354,619, plus strand): 5'-TCCATCACGTTCATTACCTTGCCACAGAATACCTGGAGACTCATTTCCGAGACGTCAGCA[G>C]CACGGAAGAATTCTTAGAGCTGAGTCCTCAAAAGCTTAAAGAAGTGATTTCTCTTGAGAA-3'
Protein context (NP_071324.1, residues 156-176): YLETHFRDVS[Ser166Thr]TEEFLELSPQ